The following is an entry in ClinVar:

ClinVar aggregate classification (germline): Uncertain significance (1 of 4 stars; one submission).

Conditions:
Atypical hemolytic-uremic syndrome. Identifiers: Orphanet 2134, MedGen C2931788, MONDO:0016244.

Submission:

Genomenon, Inc
Classification: Uncertain significance for Atypical hemolytic-uremic syndrome. Last evaluated: 2026-09-17. Review status: criteria provided, single submitter. Criteria: Genomenon Sequence Variant Interpretation Standards - Updated. Collection method: curation. Allele origin: germline. Affected: no.
Comment: CD46 c.*118G>C is a variant located in the 3′ untranslated region (3′ UTR). This variant has been reported in the published literature (PMID:41019761). It is absent or not present at a significant frequency in gnomAD. In conclusion, we classify CD46 c.*118G>C as a variant of uncertain significance.

Literature cited by the submitters: PubMed 41019761.

NM_172351.3(CD46):c.*118G>C

Gene: CD46 (CD46 molecule; plus strand). Cytogenetic location: 1q32.2.
Variant type: single nucleotide variant.
Coding change: c.*118G>C on transcript NM_172351.3 (MANE Select); 118 bases downstream of the stop codon, G replaced by C.
Molecular consequence: 3 prime UTR variant. On other transcripts: stop lost (2).
Genome position (GRCh38, 1-based): chr1:207,793,595, G>C. VCF-style: chr1-207793595-G-C. GRCh37 (hg19) VCF-style: chr1-207966940-G-C.
Other names: c.*118G>C (NM_002389.4, NM_172352.3, NM_172355.3 and 1 more transcripts); c.*4G>C (NM_153826.4, NM_172353.3, NM_172356.3 and 2 more transcripts); c.1050G>C, p.Ter350Tyr (NM_172350.3); c.1122G>C, p.Ter374Tyr (NM_172358.3).
Identifiers: ClinVar variation 4976834 (VCV004976834.1).
Genomic context (GRCh38, chr1:207,793,595, plus strand): 5'-GCTGAATATGCCACTTACCAGACTAAATCAACCACTCCAGCAGAGCAGAGAGGCTGAATA[G>C]ATTCCACAACCTGGTTTGCCAGTTCATCTTTTGACTCTATTAAAATCTTCAATAGTTGTT-3'